The following is an entry in ClinVar:

NM_000127.3(EXT1):c.1063T>C (p.Cys355Arg)

Gene: EXT1 (exostosin glycosyltransferase 1; minus strand). Cytogenetic location: 8q24.11.
Variant type: single nucleotide variant.
Coding change: c.1063T>C on transcript NM_000127.3 (MANE Select); coding-DNA position 1063, T replaced by C.
Protein change: p.Cys355Arg; replaces cysteine 355 with arginine.
Molecular consequence: missense variant.
Genome position (GRCh38, 1-based): chr8:117,835,545, A>G on the plus strand (T>C on the coding strand, the complement: EXT1 is on the minus strand). VCF-style: chr8-117835545-A-G. GRCh37 (hg19) VCF-style: chr8-118847784-A-G.
Other names: short protein forms C355R.
Identifiers: ClinVar variation 657060 (VCV000657060.10), dbSNP rs1587003655, ClinGen allele CA371892785.

ClinVar aggregate classification (germline): Pathogenic/Likely pathogenic. Review status: criteria provided, multiple submitters, no conflicts (2 of 4 stars). 2 submissions from 2 submitters: Pathogenic (1); Likely pathogenic (1). Last evaluated 2025-11-08.

Conditions:
Multiple congenital exostosis (EXT). Also called: Multiple osteochondromas; MULTIPLE CARTILAGINOUS EXOSTOSES; Hereditary multiple osteochondromas; Multiple exostoses; Hereditary multiple exostoses; Hereditary multiple exostosis. Identifiers: Orphanet 321, MedGen C0015306, MONDO:0005508, HP:0002762.
Exostoses, multiple, type 1 (EXT1). Also called: Hereditary Multiple Osteochondromatosis, Type I; EXOSTOSES, MULTIPLE, TYPE I. Identifiers: MedGen CN263289, MONDO:0007585, OMIM 133700.

Submissions (2):

Dasa
Classification: Likely pathogenic for Exostoses, multiple, type 1. Last evaluated: 2025-11-08. Review status: criteria provided, single submitter. Criteria: DASA Assertion Criteria. Collection method: clinical testing. Allele origin: germline.
Comment: NM_000127.3(EXT1):c.1063T>C (p.Cys355Arg) is a missense variant that results in the substitution of cysteine with arginine. The affected residue or protein region has prior evidence supporting clinical relevance. This variant has been reported in individuals with EXT1-related disorders (PMID: 17301954). Also, this variant is absent from population databases. Computational evidence supports a deleterious effect. Based on the currently available evidence, this variant is classified as likely pathogenic.

Labcorp Genetics (formerly Invitae), Labcorp
Classification: Pathogenic for Multiple congenital exostosis. Last evaluated: 2022-01-27. Review status: criteria provided, single submitter. Criteria: Invitae Variant Classification Sherloc (09022015). Collection method: clinical testing. Allele origin: germline.
Comment: This missense change has been observed in individual(s) with multiple osteochondromas (PMID: 17301954; Invitae). For these reasons, this variant has been classified as Pathogenic. This variant disrupts the p.Cys355 amino acid residue in EXT1. Other variant(s) that disrupt this residue have been observed in individuals with EXT1-related conditions (PMID: 26961984), which suggests that this may be a clinically significant amino acid residue. Advanced modeling of protein sequence and biophysical properties (such as structural, functional, and spatial information, amino acid conservation, physicochemical variation, residue mobility, and thermodynamic stability) performed at Invitae indicates that this missense variant is expected to disrupt EXT1 protein function. ClinVar contains an entry for this variant (Variation ID: 657060). This variant is not present in population databases (gnomAD no frequency). This sequence change replaces cysteine, which is neutral and slightly polar, with arginine, which is basic and polar, at codon 355 of the EXT1 protein (p.Cys355Arg).

Literature cited by the submitters: PubMed 17301954 (cited by Dasa and Labcorp Genetics (formerly Invitae), Labcorp); PubMed 26961984 (cited by Labcorp Genetics (formerly Invitae), Labcorp).